The following is an entry in ClinVar:

ClinVar aggregate classification (germline): Conflicting classifications of pathogenicity. Review status: criteria provided, conflicting classifications (1 of 4 stars). 2 submissions from 2 submitters: Uncertain significance (1); Likely benign (1). Last evaluated 2025-09-02.

Allele frequency attached by ClinVar (database versions not stated): ExAC 0.00004; gnomAD 0.00005; gnomAD exomes 0.00005; TOPMed 0.00006; ESP Exome Variant Server 0.00008.
gnomAD v4.1: 78 of 1,611,312 alleles (0.0048%); highest among the groups gnomAD compares: East Asian, 0.038%; no homozygotes.

Submissions (2):

Labcorp Genetics (formerly Invitae), Labcorp
Classification: Uncertain significance. Last evaluated: 2025-09-02. Review status: criteria provided, single submitter. Criteria: Invitae Variant Classification Sherloc (09022015). Collection method: clinical testing. Allele origin: germline.
Comment: This sequence change replaces tyrosine, which is neutral and polar, with histidine, which is basic and polar, at codon 232 of the CEP89 protein (p.Tyr232His). This variant is present in population databases (rs144191823, gnomAD 0.06%). This variant has not been reported in the literature in individuals affected with CEP89-related conditions. ClinVar contains an entry for this variant (Variation ID: 1916456). An algorithm developed to predict the effect of missense changes on protein structure and function outputs the following: PolyPhen-2: "Benign". The histidine amino acid residue is found in multiple mammalian species, which suggests that this missense change does not adversely affect protein function. In summary, the available evidence is currently insufficient to determine the role of this variant in disease. Therefore, it has been classified as a Variant of Uncertain Significance.

Ambry Genetics
Classification: Likely benign. Last evaluated: 2024-05-09. Review status: criteria provided, single submitter. Criteria: Ambry Variant Classification Scheme 2023. Collection method: clinical testing. Allele origin: germline.

Literature cited by the submitters: PubMed 28106320 (cited by Ambry Genetics); PubMed 36413997 (cited by Ambry Genetics).

NM_032816.5(CEP89):c.694T>C (p.Tyr232His)

Gene: CEP89 (centrosomal protein 89; minus strand). Cytogenetic location: 19q13.11.
Variant type: single nucleotide variant.
Coding change: c.694T>C on transcript NM_032816.5 (MANE Select); coding-DNA position 694, T replaced by C.
Protein change: p.Tyr232His; replaces tyrosine 232 with histidine.
Molecular consequence: missense variant.
Genome position (GRCh38, 1-based): chr19:32,933,643, A>G on the plus strand (T>C on the coding strand, the complement: CEP89 is on the minus strand). VCF-style: chr19-32933643-A-G. GRCh37 (hg19) VCF-style: chr19-33424549-A-G.
Other names: c.694T>C (NM_032816.3); short protein forms Y232H.
Identifiers: ClinVar variation 1916456 (VCV001916456.8), dbSNP rs144191823, ClinGen allele CA9359527.
Genomic context (GRCh38, chr19:32,933,643, plus strand): 5'-TGTTTAGGTCCATATTTTCTTCTTTTAATGCCTCAAACTTTTCTCTGGTTATTTCTGTAT[A>G]TCTTTGACGTGCTCTACCAGTTATATCTGAAAGGGTTCAGGGGAAAATTTTACAATGTTA-3'
Protein context (NP_116205.3, residues 222-242): PDITGRARQR[Tyr232His]TEITREKFEA